The following is an entry in ClinVar:

ClinVar aggregate classification (germline): Uncertain significance (1 of 4 stars; one submission).

Conditions:
Catecholaminergic polymorphic ventricular tachycardia (CVPT). Also called: Catecholamine-induced polymorphic ventricular tachycardia. Identifiers: Orphanet 3286, MedGen C5574922, MONDO:0017990.

Submission:

Labcorp Genetics (formerly Invitae), Labcorp
Classification: Uncertain significance for Catecholaminergic polymorphic ventricular tachycardia 1. Last evaluated: 2020-01-14. Review status: criteria provided, single submitter. Criteria: Invitae Variant Classification Sherloc (09022015). Collection method: clinical testing. Allele origin: germline.
Comment: This variant is an in-frame deletion of the genomic region encompassing exon 5 of the TRDN gene. It preserves the integrity of the reading frame. This variant has not been reported in the literature in individuals with TRDN-related conditions. Experimental studies and prediction algorithms are not available or were not evaluated, and the functional significance of this variant is currently unknown. In summary, the available evidence is currently insufficient to determine the role of this variant in disease. Therefore, it has been classified as a Variant of Uncertain Significance.

NC_000006.11:g.(?_123851641)_(123851720_?)del

Gene: TRDN (triadin; minus strand). Cytogenetic location: 6q22.31.
Variant type: Deletion.
Identifiers: ClinVar variation 1040673 (VCV001040673.2).